The following is an entry in ClinVar:

NM_030632.3(ASXL3):c.5589del (p.Gly1864fs)

Gene: ASXL3 (ASXL transcriptional regulator 3; plus strand). Cytogenetic location: 18q12.1.
Variant type: Deletion.
Coding change: c.5589del on transcript NM_030632.3 (MANE Select); coding-DNA position 5589, one base deleted (C; older notation c.5589delC).
Protein change: p.Gly1864fs; shifts the reading frame from glycine 1864.
Molecular consequence: frameshift variant.
Genome position (GRCh38, 1-based): chr18:33,745,437, C deleted; the last of 2 consecutive C bases (chr18:33,745,436-33,745,437); deleting either gives the same sequence. VCF-style (leftmost placement, unchanged base first): chr18-33745435-TC-T. GRCh37 (hg19) VCF-style: chr18-31325399-TC-T.
Other names: short protein forms G1864fs.
Identifiers: ClinVar variation 4851261 (VCV004851261.1).

ClinVar aggregate classification (germline): Pathogenic (1 of 4 stars; one submission).

Conditions:
Bainbridge-Ropers syndrome. Also called: Severe feeding difficulties-failure to thrive-microcephaly due to ASXL3 deficiency syndrome. Identifiers: Orphanet 352577, MedGen C4750837, MONDO:0014205, OMIM 615485.

Submission:

Human Genome Lab, NIMHANS, National Institute of Mental Health and Neuro Sciences
Classification: Pathogenic for Bainbridge-Ropers syndrome. Last evaluated: 2024-12-09. Review status: criteria provided, single submitter. Criteria: ACMG Guidelines, 2015. Collection method: clinical testing. Allele origin: de novo. Inheritance: Autosomal dominant inheritance. Affected: yes. Observed: 1 variant allele, 1 heterozygote.
Comment: The p.Gly1864Alafs*5 variant is novel (not in any individuals) in 1kG All. The p.Gly1864Alafs*5 variant is novel (not in any individuals) in TopMed All. The p.Gly1864Alafs*5 variant is novel (not in any individuals) in gnomAD4-Joint-Variant Frequencies. This variant is predicted to cause loss of normal protein function through protein truncation caused a frameshift mutation. There are 5 downstream pathogenic loss of function variants, with the furthest variant being 366 residues downstream of this variant. This indicates that the region is critical to protein function. The p.Gly1864Alafs*5 variant is a loss of function variant in the gene ASXL3, which is intolerant of Loss of Function variants, as indicated by the presence of existing pathogenic loss of function variant NP_085135.1:p.P180Lfs*5 and 114 others. For these reasons, this variant has been classified as Pathogenic. (ACMG criteria - PM2 PVS1_Strong PP4)